The following is an entry in ClinVar:

NM_012452.3(TNFRSF13B):c.568G>A (p.Gly190Arg)

Gene: TNFRSF13B (TNF receptor superfamily member 13B; minus strand). Cytogenetic location: 17p11.2.
Variant type: single nucleotide variant.
Coding change: c.568G>A on transcript NM_012452.3 (MANE Select); coding-DNA position 568, G replaced by A.
Protein change: p.Gly190Arg; replaces glycine 190 with arginine.
Molecular consequence: missense variant.
Genome position (GRCh38, 1-based): chr17:16,940,389, C>T on the plus strand (G>A on the coding strand, the complement: TNFRSF13B is on the minus strand). VCF-style: chr17-16940389-C-T. GRCh37 (hg19) VCF-style: chr17-16843703-C-T.
Other names: short protein forms G190R.
Identifiers: ClinVar variation 579029 (VCV000579029.3), dbSNP rs150101848, ClinGen allele CA8413945.

ClinVar aggregate classification (germline): Uncertain significance. Review status: criteria provided, multiple submitters, no conflicts (2 of 4 stars). 2 submissions from 2 submitters: Uncertain significance (2). Last evaluated 2022-11-04.

Conditions:
TNFRSF13B-related disorder. Also called: TNFRSF13B-related condition.
Immunodeficiency, common variable, 2 (CVID2). Also called: ANTIBODY DEFICIENCY DUE TO TACI DEFECT; HYPOGAMMAGLOBULINEMIA DUE TO TACI DEFICIENCY. Identifiers: Orphanet 1572, MedGen C3150354, MONDO:0009413, OMIM 240500.

Allele frequency attached by ClinVar (database versions not stated): 1000 Genomes Project 30x 0.00016; TOPMed 0.00005.
gnomAD v4.1: 27 of 1,614,064 alleles (0.0017%); highest among the groups gnomAD compares: African/African-American, 0.028%; no homozygotes.

Submissions (2):

PreventionGenetics, part of Exact Sciences
Classification: Uncertain significance for TNFRSF13B-related condition. Last evaluated: 2022-11-04. Review status: criteria provided, single submitter. Criteria: ACMG Guidelines, 2015. Collection method: clinical testing. Allele origin: germline.
Comment: The TNFRSF13B c.568G>A variant is predicted to result in the amino acid substitution p.Gly190Arg. To our knowledge, this variant has not been reported in the literature. This variant is reported in 0.025% of alleles in individuals of African descent in gnomAD. An alternate missense change at the same amino acid has been reported as a variant of uncertain significance in a patient with selective IgA deficiency (Pulvirenti et al. 2016. PubMed ID: 27123465). At this time, the clinical significance of this variant is uncertain due to the absence of conclusive functional and genetic evidence.

Labcorp Genetics (formerly Invitae), Labcorp
Classification: Uncertain significance for Immunodeficiency, common variable, 2. Last evaluated: 2022-02-12. Review status: criteria provided, single submitter. Criteria: Invitae Variant Classification Sherloc (09022015). Collection method: clinical testing. Allele origin: germline.
Comment: This sequence change replaces glycine, which is neutral and non-polar, with arginine, which is basic and polar, at codon 190 of the TNFRSF13B protein (p.Gly190Arg). This variant is present in population databases (rs150101848, gnomAD 0.02%). This variant has not been reported in the literature in individuals affected with TNFRSF13B-related conditions. ClinVar contains an entry for this variant (Variation ID: 579029). Algorithms developed to predict the effect of missense changes on protein structure and function are either unavailable or do not agree on the potential impact of this missense change (SIFT: "Deleterious"; PolyPhen-2: "Possibly Damaging"; Align-GVGD: "Class C15"). In summary, the available evidence is currently insufficient to determine the role of this variant in disease. Therefore, it has been classified as a Variant of Uncertain Significance.